The following is an entry in ClinVar:

NM_001243133.2(NLRP3):c.373A>G (p.Ile125Val)

Gene: NLRP3 (NLR family pyrin domain containing 3; plus strand). Cytogenetic location: 1q44.
Variant type: single nucleotide variant.
Coding change: c.373A>G on transcript NM_001243133.2 (MANE Select); coding-DNA position 373, A replaced by G.
Protein change: p.Ile125Val; replaces isoleucine 125 with valine.
Molecular consequence: missense variant.
Genome position (GRCh38, 1-based): chr1:247,423,325, A>G. VCF-style: chr1-247423325-A-G. GRCh37 (hg19) VCF-style: chr1-247586627-A-G.
Other names: c.373A>G, p.Ile125Val (NM_001079821.3, NM_001127461.3, NM_001127462.3 and 1 more transcripts); c.379A>G, p.Ile127Val (NM_004895.5); short protein forms I125V, I127V.
Identifiers: ClinVar variation 3633866 (VCV003633866.2).

ClinVar aggregate classification (germline): Uncertain significance (1 of 4 stars; one submission).

Conditions:
Cryopyrin associated periodic syndrome (CAPS). Identifiers: Orphanet 208650, MedGen C2316212, MONDO:0016168.

Submission:

Labcorp Genetics (formerly Invitae), Labcorp
Classification: Uncertain significance for Cryopyrin associated periodic syndrome. Last evaluated: 2024-06-19. Review status: criteria provided, single submitter. Criteria: Invitae Variant Classification Sherloc (09022015). Collection method: clinical testing. Allele origin: germline.
Comment: This sequence change replaces isoleucine, which is neutral and non-polar, with valine, which is neutral and non-polar, at codon 127 of the NLRP3 protein (p.Ile127Val). This variant is not present in population databases (gnomAD no frequency). This variant has not been reported in the literature in individuals affected with NLRP3-related conditions. Advanced modeling of protein sequence and biophysical properties (such as structural, functional, and spatial information, amino acid conservation, physicochemical variation, residue mobility, and thermodynamic stability) performed at Invitae indicates that this missense variant is not expected to disrupt NLRP3 protein function with a negative predictive value of 95%. In summary, the available evidence is currently insufficient to determine the role of this variant in disease. Therefore, it has been classified as a Variant of Uncertain Significance.